The following is an entry in ClinVar:

NM_004850.5(ROCK2):c.2588A>C (p.Gln863Pro)

Gene: ROCK2 (Rho associated coiled-coil containing protein kinase 2; minus strand). Cytogenetic location: 2p25.1.
Variant type: single nucleotide variant.
Coding change: c.2588A>C on transcript NM_004850.5 (MANE Select); coding-DNA position 2588, A replaced by C.
Protein change: p.Gln863Pro; replaces glutamine 863 with proline.
Molecular consequence: missense variant.
Genome position (GRCh38, 1-based): chr2:11,202,083, T>G on the plus strand (A>C on the coding strand, the complement: ROCK2 is on the minus strand). VCF-style: chr2-11202083-T-G. GRCh37 (hg19) VCF-style: chr2-11342209-T-G.
Other names: c.2330A>C, p.Gln777Pro (NM_001321643.2); short protein forms Q777P, Q863P.
Identifiers: ClinVar variation 2632574 (VCV002632574.1), dbSNP rs2527785768, ClinGen allele CA345828309.
Genomic context (GRCh38, chr2:11,202,083, plus strand): 5'-ATTTGCAAATTAATGTGTCTTGAACTTACTGAGAAATACTGTTCTGCTTCGAGCTGATCC[T>G]GGAGCTCTTTCATTTGCCCATCTGCATCCTGACGTTCTCTGTGAGGACAATGAATCAAAG-3'
Protein context (NP_004841.2, residues 853-873): QDADGQMKEL[Gln863Pro]DQLEAEQYFS

ClinVar aggregate classification (germline): Uncertain significance (1 of 4 stars; one submission).

Conditions:
ROCK2-related disorder. Also called: ROCK2-related condition.

Submission:

PreventionGenetics, part of Exact Sciences
Classification: Uncertain significance for ROCK2-related condition. Last evaluated: 2023-06-05. Review status: criteria provided, single submitter. Criteria: ACMG Guidelines, 2015. Collection method: clinical testing. Allele origin: germline.
Comment: The ROCK2 c.2588A>C variant is predicted to result in the amino acid substitution p.Gln863Pro. To our knowledge, this variant has not been reported in the literature or in a large population database, indicating this variant is rare. At this time, the clinical significance of this variant is uncertain due to the absence of conclusive functional and genetic evidence.